The following is an entry in ClinVar:

ClinVar aggregate classification (germline): Uncertain significance. Review status: criteria provided, multiple submitters, no conflicts (2 of 4 stars). 2 submissions from 2 submitters: Uncertain significance (2). Last evaluated 2024-02-17.

Allele frequency attached by ClinVar (database versions not stated): ExAC 0.00002; gnomAD exomes 0.00002.

Submissions (2):

Ambry Genetics
Classification: Uncertain significance. Last evaluated: 2024-02-17. Review status: criteria provided, single submitter. Criteria: Ambry Variant Classification Scheme 2023. Collection method: clinical testing. Allele origin: germline.

Labcorp Genetics (formerly Invitae), Labcorp
Classification: Uncertain significance. Last evaluated: 2022-08-22. Review status: criteria provided, single submitter. Criteria: Invitae Variant Classification Sherloc (09022015). Collection method: clinical testing. Allele origin: germline.
Comment: This sequence change replaces valine, which is neutral and non-polar, with methionine, which is neutral and non-polar, at codon 415 of the VPS33A protein (p.Val415Met). This variant is present in population databases (rs774697260, gnomAD 0.008%). This variant has not been reported in the literature in individuals affected with VPS33A-related conditions. ClinVar contains an entry for this variant (Variation ID: 1442954). Algorithms developed to predict the effect of missense changes on protein structure and function (SIFT, PolyPhen-2, Align-GVGD) all suggest that this variant is likely to be tolerated. In summary, the available evidence is currently insufficient to determine the role of this variant in disease. Therefore, it has been classified as a Variant of Uncertain Significance.

NM_022916.6(VPS33A):c.1243G>A (p.Val415Met)

Gene: VPS33A (VPS33A core subunit of CORVET and HOPS complexes; minus strand). Cytogenetic location: 12q24.31.
Variant type: single nucleotide variant.
Coding change: c.1243G>A on transcript NM_022916.6 (MANE Select); coding-DNA position 1243, G replaced by A.
Protein change: p.Val415Met; replaces valine 415 with methionine.
Molecular consequence: missense variant.
Genome position (GRCh38, 1-based): chr12:122,238,646, C>T on the plus strand (G>A on the coding strand, the complement: VPS33A is on the minus strand). VCF-style: chr12-122238646-C-T. GRCh37 (hg19) VCF-style: chr12-122723193-C-T.
Other names: c.1210G>A, p.Val404Met (NM_001351018.2); c.1195G>A, p.Val399Met (NM_001351019.2); c.922G>A, p.Val308Met (NM_001351020.2); c.1243G>A (NM_022916.4); short protein forms V404M, V415M, V308M, V399M.
Identifiers: ClinVar variation 1442954 (VCV001442954.6), dbSNP rs774697260, ClinGen allele CA6844369.